The following is an entry in ClinVar:

ClinVar aggregate classification (germline): Likely benign (0 of 4 stars; one submission).

Conditions:
ALMS1-related disorder. Also called: ALMS1-related condition.

Submission:

PreventionGenetics, part of Exact Sciences
Classification: Likely benign for ALMS1-related condition. Last evaluated: 2022-10-10. Review status: no assertion criteria provided. Collection method: clinical testing. Allele origin: germline.
Comment: This variant is classified as likely benign based on ACMG/AMP sequence variant interpretation guidelines (Richards et al. 2015 PMID: 25741868, with internal and published modifications).

NM_001378454.1(ALMS1):c.12141C>T (p.Asp4047=)

Genes: ALMS1 (ALMS1 centrosome and basal body associated protein; plus strand), LOC126806252 (BRD4-independent group 4 enhancer GRCh37_chr2:73828496-73829695; plus strand). Cytogenetic location: 2p13.1.
Variant type: single nucleotide variant.
Coding change: c.12141C>T on transcript NM_001378454.1 (MANE Select); coding-DNA position 12141, C replaced by T.
Protein change: p.Asp4047=; no amino-acid change (aspartic acid 4047 retained).
Molecular consequence: synonymous variant.
Genome position (GRCh38, 1-based): chr2:73,602,211, C>T. VCF-style: chr2-73602211-C-T. GRCh37 (hg19) VCF-style: chr2-73829338-C-T.
Other names: c.12144C>T, p.Asp4048= (NM_015120.4).
Identifiers: ClinVar variation 3352905 (VCV003352905.1).